The following is an entry in ClinVar:

NM_006736.6(DNAJB2):c.757G>C (p.Glu253Gln)

Gene: DNAJB2 (DnaJ heat shock protein family (Hsp40) member B2; plus strand). Cytogenetic location: 2q35.
Variant type: single nucleotide variant.
Coding change: c.757G>C on transcript NM_006736.6 (MANE Select); coding-DNA position 757, G replaced by C.
Protein change: p.Glu253Gln; replaces glutamic acid 253 with glutamine.
Molecular consequence: missense variant.
Genome position (GRCh38, 1-based): chr2:219,284,769, G>C. VCF-style: chr2-219284769-G-C. GRCh37 (hg19) VCF-style: chr2-220149491-G-C.
Other names: c.757G>C, p.Glu253Gln (NM_001039550.2); short protein forms E253Q.
Identifiers: ClinVar variation 643766 (VCV000643766.10), dbSNP rs1018405924, ClinGen allele CA65961054.

ClinVar aggregate classification (germline): Uncertain significance. Review status: criteria provided, multiple submitters, no conflicts (2 of 4 stars). 2 submissions from 2 submitters: Uncertain significance (2). Last evaluated 2023-08-24.

Conditions:
Neuronopathy, distal hereditary motor, autosomal recessive 5. Also called: Spinal muscular atrophy, distal, autosomal recessive, 5; Young adult-onset distal hereditary motor neuropathy; NEUROPATHY, DISTAL HEREDITARY MOTOR, AUTOSOMAL RECESSIVE 5. Identifiers: Orphanet 314485, Orphanet 443950, MedGen C4749918, MONDO:0013947, OMIM 614881.

Allele frequency attached by ClinVar (database versions not stated): gnomAD exomes below 0.00001; gnomAD 0.00001; TOPMed 0.00001.

Submissions (2):

Labcorp Genetics (formerly Invitae), Labcorp
Classification: Uncertain significance for Neuronopathy, distal hereditary motor, autosomal recessive 5. Last evaluated: 2023-08-24. Review status: criteria provided, single submitter. Criteria: Invitae Variant Classification Sherloc (09022015). Collection method: clinical testing. Allele origin: germline.
Comment: This sequence change replaces glutamic acid, which is acidic and polar, with glutamine, which is neutral and polar, at codon 253 of the DNAJB2 protein (p.Glu253Gln). This variant is present in population databases (no rsID available, gnomAD 0.0009%). This variant has not been reported in the literature in individuals affected with DNAJB2-related conditions. ClinVar contains an entry for this variant (Variation ID: 643766). Advanced modeling of protein sequence and biophysical properties (such as structural, functional, and spatial information, amino acid conservation, physicochemical variation, residue mobility, and thermodynamic stability) performed at Invitae indicates that this missense variant is not expected to disrupt DNAJB2 protein function. In summary, the available evidence is currently insufficient to determine the role of this variant in disease. Therefore, it has been classified as a Variant of Uncertain Significance.

Breakthrough Genomics
Classification: Uncertain significance. Review status: criteria provided, single submitter. Criteria: ACMG Guidelines, 2015. Collection method: not provided. Allele origin: germline. Inheritance: Autosomal recessive inheritance. Affected: yes.